The following is an entry in ClinVar:

NM_001378974.1(FBXW11):c.-54C>T

Gene: FBXW11 (F-box and WD repeat domain containing 11; minus strand). Cytogenetic location: 5q35.1.
Variant type: single nucleotide variant.
Coding change: c.-54C>T on transcript NM_001378974.1 (MANE Select); 54 bases upstream of the start codon, C replaced by T.
Molecular consequence: 5 prime UTR variant.
Genome position (GRCh38, 1-based): chr5:172,006,556, G>A on the plus strand (C>T on the coding strand, the complement: FBXW11 is on the minus strand). VCF-style: chr5-172006556-G-A. GRCh37 (hg19) VCF-style: chr5-171433560-G-A.
Other names: c.-54C>T (NM_001378975.1, NM_001378980.1, NM_012300.3 and 2 more transcripts); c.-312C>T (NM_001378976.1, NM_001378979.1); c.-273C>T (NM_001378977.1); c.-241C>T (NM_001378978.1).
Identifiers: ClinVar variation 4538393 (VCV004538393.1).

ClinVar aggregate classification (germline): Uncertain significance (1 of 4 stars; one submission).

Submission:

Greenwood Genetic Center Diagnostic Laboratories, Greenwood Genetic Center
Classification: Uncertain significance. Last evaluated: 2025-04-24. Review status: criteria provided, single submitter. Criteria: ACMG Guidelines, 2015. Collection method: clinical testing. Allele origin: germline. Affected: yes.
Comment: PM2